The following is an entry in ClinVar:

ClinVar aggregate classification (germline): Uncertain significance (1 of 4 stars; one submission).

Allele frequency attached by ClinVar (database versions not stated): gnomAD exomes below 0.00001; ExAC 0.00001; TOPMed 0.00001; gnomAD 0.00002; 1000 Genomes Project 30x 0.00016; 1000 Genomes Project 0.00020.
gnomAD v4.1: 5 of 1,613,950 alleles (0.00031%); highest among the groups gnomAD compares: East Asian, 0.011%; no homozygotes.

Submission:

Labcorp Genetics (formerly Invitae), Labcorp
Classification: Uncertain significance. Last evaluated: 2022-08-03. Review status: criteria provided, single submitter. Criteria: Invitae Variant Classification Sherloc (09022015). Collection method: clinical testing. Allele origin: germline.
Comment: This sequence change replaces tyrosine, which is neutral and polar, with aspartic acid, which is acidic and polar, at codon 119 of the C17orf62 protein (p.Tyr119Asp). This variant is present in population databases (rs572249946, gnomAD 0.02%). In summary, the available evidence is currently insufficient to determine the role of this variant in disease. Therefore, it has been classified as a Variant of Uncertain Significance. Algorithms developed to predict the effect of missense changes on protein structure and function (SIFT, PolyPhen-2, Align-GVGD) all suggest that this variant is likely to be disruptive. This variant has not been reported in the literature in individuals affected with C17orf62-related conditions.

NM_001033046.4(CYBC1):c.355T>G (p.Tyr119Asp)

Gene: CYBC1 (cytochrome b-245 chaperone 1; minus strand). Cytogenetic location: 17q25.3.
Variant type: single nucleotide variant.
Coding change: c.355T>G on transcript NM_001033046.4 (MANE Select); coding-DNA position 355, T replaced by G.
Protein change: p.Tyr119Asp; replaces tyrosine 119 with aspartic acid.
Molecular consequence: missense variant. On other transcripts: non-coding transcript variant (4).
Genome position (GRCh38, 1-based): chr17:82,444,535, A>C on the plus strand (T>G on the coding strand, the complement: CYBC1 is on the minus strand). VCF-style: chr17-82444535-A-C. GRCh37 (hg19) VCF-style: chr17-80402411-A-C.
Other names: c.355T>G, p.Tyr119Asp (NM_001100407.3, NM_001193653.2, NM_001193654.2 and 2 more transcripts); c.313T>G, p.Tyr105Asp (NM_001100408.3); short protein forms Y105D, Y119D.
Identifiers: ClinVar variation 1962436 (VCV001962436.5), dbSNP rs572249946, ClinGen allele CA8858234.